The following is an entry in ClinVar:

ClinVar aggregate classification (germline): Pathogenic (1 of 4 stars; one submission).

Conditions:
Multiple endocrine neoplasia, type 1 (MEN1). Also called: MEN I; WERMER SYNDROME; Endocrine adenomatosis multiple; MEN 1; MEA I. Identifiers: Orphanet 652, MedGen C0025267, MeSH D018761, MONDO:0007540, OMIM 131100.

Submission:

Labcorp Genetics (formerly Invitae), Labcorp
Classification: Pathogenic for Multiple endocrine neoplasia, type 1. Last evaluated: 2019-11-23. Review status: criteria provided, single submitter. Criteria: Invitae Variant Classification Sherloc (09022015). Collection method: clinical testing. Allele origin: germline.
Comment: For these reasons, this variant has been classified as Pathogenic. Loss-of-function variants in MEN1 are known to be pathogenic (PMID: 12112656, 17853334). This variant has not been reported in the literature in individuals with MEN1-related disease. This variant is a gross deletion of the genomic region encompassing exon 2 of the MEN1 gene, which includes the initiator codon. The 5' end of this event is unknown as it extends beyond the assayed region for this gene and therefore may encompass additional genes. The 3' boundary is likely confined to intron 2 of the MEN1 gene. This is expected to result in an absent or disrupted protein product.

Literature cited by the submitters: PubMed 12112656; PubMed 17853334.

NC_000011.10:g.(?_64809659)_(64810115_?)del

Gene: MEN1 (menin 1; minus strand). Cytogenetic location: 11q13.1.
Variant type: Deletion.
Identifiers: ClinVar variation 527321 (VCV000527321.6).